The following is an entry in ClinVar:

NM_138615.3(DHX30):c.2291C>T (p.Ser764Phe)

Gene: DHX30 (DExH-box helicase 30; plus strand). Cytogenetic location: 3p21.31.
Variant type: single nucleotide variant.
Coding change: c.2291C>T on transcript NM_138615.3 (MANE Select); coding-DNA position 2291, C replaced by T.
Protein change: p.Ser764Phe; replaces serine 764 with phenylalanine.
Molecular consequence: missense variant.
Genome position (GRCh38, 1-based): chr3:47,848,184, C>T. VCF-style: chr3-47848184-C-T. GRCh37 (hg19) VCF-style: chr3-47889674-C-T.
Other names: c.2207C>T, p.Ser736Phe (NM_001330990.2); c.2174C>T, p.Ser725Phe (NM_014966.4); short protein forms S725F, S736F, S764F.
Identifiers: ClinVar variation 3338619 (VCV003338619.1).
Genomic context (GRCh38, chr3:47,848,184, plus strand): 5'-TGGGGAAGCACTGAGGAAGTGGCATTTGTGTGCTGCTTACTTGCCACCTCCTCCAGGTGT[C>T]CTGCCTGGAGACAGTGTGGGTATCAAGAGCCAATGTGATCCAGCGCCGGGGCCGGGCGGG-3'
Protein context (NP_619520.1, residues 754-774): EERYDLKTKV[Ser764Phe]CLETVWVSRA

ClinVar aggregate classification (germline): Uncertain significance (1 of 4 stars; one submission).

Submission:

Greenwood Genetic Center Diagnostic Laboratories, Greenwood Genetic Center
Classification: Uncertain significance. Last evaluated: 2024-05-02. Review status: criteria provided, single submitter. Criteria: ACMG Guidelines, 2015. Collection method: clinical testing. Allele origin: germline. Affected: yes.
Comment: PM2, PP2